The following is an entry in ClinVar:

ClinVar aggregate classification (germline): Pathogenic. Review status: reviewed by expert panel (3 of 4 stars). 4 submissions from 4 submitters: Pathogenic (1). 3 of the submissions do not count toward it. Last evaluated 2023-08-25.

Conditions:
CDH1-related diffuse gastric and lobular breast cancer syndrome. Also called: CDH1-related diffuse gastric and lobular breast cancer. Identifiers: MedGen CN311521, MONDO:0100488.
Hereditary cancer-predisposing syndrome. Also called: Tumor predisposition; Neoplastic Syndromes, Hereditary; Hereditary Cancer Syndrome; Hereditary neoplastic syndrome. Identifiers: Orphanet 140162, MedGen C0027672, MeSH D009386, MONDO:0015356.
Hereditary diffuse gastric adenocarcinoma (HDGC). Also called: DIFFUSE GASTRIC AND LOBULAR BREAST CANCER SYNDROME. Identifiers: Orphanet 26106, MedGen C1708349, MONDO:0007648, OMIM 137215.

Submissions (4):

Clingen Gastric Cancer Variant Curation Expert Panel
Classification: Pathogenic for CDH1-related diffuse gastric and lobular breast cancer syndrome. Last evaluated: 2023-08-25. Review status: reviewed by expert panel. Criteria: ClinGen CDH1 ACMG Specifications V3.1. Collection method: curation. Allele origin: germline. Inheritance: Autosomal dominant inheritance.
Comment: The c.480_486delinsAGAATA p.(Ile161Glufs*54) variant is predicted to result in a premature stop codon that leads to a truncated or absent protein (PVS1, PM5_Supporting). The variant is absent in the gnomAD cohort (PM2_Supporting). This variant has been reported in at least one family meeting HDGC clinical criteria (PS4_Supporting; SCV000661678.2). In summary, this variant meets criteria to be classified as pathogenic based on the ACMG/AMP criteria applied as specified by the CDH1 Variant Curation Expert Panel (Variant Interpretation Guidelines Version 3.1): PVS1, PM2_Supporting, PS4_Supporting, PM5_Supporting.

Women's Health and Genetics/Laboratory Corporation of America, LabCorp
Classification: Pathogenic for Hereditary diffuse gastric adenocarcinoma. Last evaluated: 2025-07-15. Review status: criteria provided, single submitter. Criteria: LabCorp Variant Classification Summary - May 2015. Collection method: clinical testing. Allele origin: germline. Not counted in ClinVar's aggregate classification.
Comment: Variant summary: CDH1 c.480_486delinsAGAATA (p.Ile161GlufsX54) results in a premature termination codon, predicted to cause a truncation of the encoded protein or absence of the protein due to nonsense mediated decay, which are commonly known mechanisms for disease. The variant was absent in 1614180 control chromosomes. To our knowledge, no occurrence of c.480_486delinsAGAATA in individuals affected with Hereditary Diffuse Gastric Cancer and no experimental evidence demonstrating its impact on protein function have been reported. ClinVar contains an entry for this variant (Variation ID: 479524). Based on the evidence outlined above, the variant was classified as pathogenic.

Myriad Genetics, Inc.
Classification: Pathogenic for Hereditary diffuse gastric adenocarcinoma. Last evaluated: 2023-06-09. Review status: criteria provided, single submitter. Criteria: Myriad Autosomal Dominant, Autosomal Recessive and X-Linked Classification Criteria (2023). Collection method: clinical testing. Allele origin: unknown. Not counted in ClinVar's aggregate classification.
Comment: This variant is considered pathogenic. This variant creates a frameshift predicted to result in premature protein truncation.

Ambry Genetics
Classification: Pathogenic for Hereditary cancer-predisposing syndrome. Last evaluated: 2017-03-21. Review status: criteria provided, single submitter. Criteria: Ambry Variant Classification Scheme 2023. Collection method: clinical testing. Allele origin: germline. Not counted in ClinVar's aggregate classification.
Comment: The c.480_486delCATCAGCinsAGAATA pathogenic mutation, located in coding exon 4 of the CDH1 gene, results from the deletion of 7 nucleotides and insertion of 6 nucleotides causing a translational frameshift with a predicted alternate stop codon (p.I161Efs*54). This alteration is expected to result in loss of function by premature protein truncation or nonsense-mediated mRNA decay. As such, this alteration is interpreted as a disease-causing mutation.

NM_004360.5(CDH1):c.480_486delinsAGAATA (p.Ile161fs)

Gene: CDH1 (cadherin 1; plus strand). Cytogenetic location: 16q22.1.
Variant type: Indel.
Coding change: c.480_486delinsAGAATA on transcript NM_004360.5 (MANE Select); coding-DNA positions 480 to 486, CATCAGC replaced by AGAATA.
Protein change: p.Ile161fs; shifts the reading frame from isoleucine 161.
Molecular consequence: frameshift variant. On other transcripts: 5 prime UTR variant (2).
Genome position (GRCh38, 1-based): chr16:68,808,516-68,808,522, CATCAGC replaced by AGAATA. VCF-style: chr16-68808516-CATCAGC-AGAATA. GRCh37 (hg19) VCF-style: chr16-68842419-CATCAGC-AGAATA.
Other names: c.480_486delinsAGAATA, p.Ile161fs (NM_001317184.2); c.-1136_-1130delinsAGAATA (NM_001317185.2); c.-1340_-1334delinsAGAATA (NM_001317186.2); c.480_486delCATCAGCinsAGAATA (LRG_301t1); short protein forms I161fs.
Identifiers: ClinVar variation 479524 (VCV000479524.8), dbSNP rs1555515217, ClinGen allele CA658658479.
Genomic context (GRCh38, chr16:68,808,516, plus strand): 5'-CACATTTCCCAACTCCTCTCCTGGCCTCAGAAGACAGAAGAGAGACTGGGTTATTCCTCC[CATCAGC>AGAATA]TGCCCAGAAAATGAAAAAGGCCCATTTCCTAAAAACCTGGTTCAGGTAGAGAAAGAAGTT-3'